The following is an entry in ClinVar:

NM_004525.3(LRP2):c.6356C>T (p.Ala2119Val)

Gene: LRP2 (LDL receptor related protein 2; minus strand). Cytogenetic location: 2q31.1.
Variant type: single nucleotide variant.
Coding change: c.6356C>T on transcript NM_004525.3 (MANE Select); coding-DNA position 6356, C replaced by T.
Protein change: p.Ala2119Val; replaces alanine 2119 with valine.
Molecular consequence: missense variant.
Genome position (GRCh38, 1-based): chr2:169,209,566, G>A on the plus strand (C>T on the coding strand, the complement: LRP2 is on the minus strand). VCF-style: chr2-169209566-G-A. GRCh37 (hg19) VCF-style: chr2-170066076-G-A.
Other names: short protein forms A2119V.
Identifiers: ClinVar variation 1425211 (VCV001425211.7), dbSNP rs2105337164, ClinGen allele CA349129318.
Genomic context (GRCh38, chr2:169,209,566, plus strand): 5'-GTCACAATGTTCATCAGAGAAGATCCATCTGGTTTAATTCTACGGATCGCATTATCAGAT[G>A]CCACTGAGCTGCTAAAATCACACCAATAAATAAAGCCAGAGGACACATCCACATCCACAT-3'
Protein context (NP_004516.2, residues 2109-2129): IYWCDFSSSV[Ala2119Val]SDNAIRRIKP

ClinVar aggregate classification (germline): Uncertain significance. Review status: criteria provided, multiple submitters, no conflicts (2 of 4 stars). 2 submissions from 2 submitters: Uncertain significance (2). Last evaluated 2022-08-10.

Conditions:
Donnai-Barrow syndrome. Also called: FACIOOCULOACOUSTICORENAL SYNDROME; DBS/FOAR SYNDROME. Identifiers: Orphanet 2143, MedGen C1857277, MONDO:0009104, OMIM 222448.

gnomAD v4.1: 1 of 1,614,094 alleles (0.000062%); no homozygotes.

Submissions (2):

Labcorp Genetics (formerly Invitae), Labcorp
Classification: Uncertain significance. Last evaluated: 2022-08-10. Review status: criteria provided, single submitter. Criteria: Invitae Variant Classification Sherloc (09022015). Collection method: clinical testing. Allele origin: germline.
Comment: Algorithms developed to predict the effect of sequence changes on RNA splicing suggest that this variant may create or strengthen a splice site. Advanced modeling of protein sequence and biophysical properties (such as structural, functional, and spatial information, amino acid conservation, physicochemical variation, residue mobility, and thermodynamic stability) performed at Invitae indicates that this missense variant is not expected to disrupt LRP2 protein function. ClinVar contains an entry for this variant (Variation ID: 1425211). This variant has not been reported in the literature in individuals affected with LRP2-related conditions. This variant is not present in population databases (gnomAD no frequency). This sequence change replaces alanine, which is neutral and non-polar, with valine, which is neutral and non-polar, at codon 2119 of the LRP2 protein (p.Ala2119Val). In summary, the available evidence is currently insufficient to determine the role of this variant in disease. Therefore, it has been classified as a Variant of Uncertain Significance.

Fulgent Genetics
Classification: Uncertain significance for Donnai-Barrow syndrome. Last evaluated: 2022-04-07. Review status: criteria provided, single submitter. Criteria: ACMG Guidelines, 2015. Collection method: clinical testing. Allele origin: unknown.